The following is an entry in ClinVar:

ClinVar aggregate classification (germline): Uncertain significance. Review status: criteria provided, multiple submitters, no conflicts (2 of 4 stars). 2 submissions from 2 submitters: Uncertain significance (2). Last evaluated 2025-09-11.

Conditions:
Hereditary cancer-predisposing syndrome. Also called: Tumor predisposition; Neoplastic Syndromes, Hereditary; Hereditary Cancer Syndrome; Hereditary neoplastic syndrome. Identifiers: Orphanet 140162, MedGen C0027672, MeSH D009386, MONDO:0015356.
Gorlin syndrome. Also called: Basal cell nevus syndrome; Nevoid Basal Cell Carcinoma Syndrome. Identifiers: Orphanet 377, MedGen C0004779, MONDO:0007187.

Submissions (2):

Labcorp Genetics (formerly Invitae), Labcorp
Classification: Uncertain significance for Gorlin syndrome. Last evaluated: 2025-09-11. Review status: criteria provided, single submitter. Criteria: Invitae Variant Classification Sherloc (09022015). Collection method: clinical testing. Allele origin: germline.
Comment: This sequence change replaces alanine, which is neutral and non-polar, with serine, which is neutral and polar, at codon 443 of the PTCH1 protein (p.Ala443Ser). This variant is not present in population databases (gnomAD no frequency). This variant has not been reported in the literature in individuals affected with PTCH1-related conditions. ClinVar contains an entry for this variant (Variation ID: 1058819). Invitae Evidence Modeling of protein sequence and biophysical properties (such as structural, functional, and spatial information, amino acid conservation, physicochemical variation, residue mobility, and thermodynamic stability) indicates that this missense variant is not expected to disrupt PTCH1 protein function with a negative predictive value of 95%. In summary, the available evidence is currently insufficient to determine the role of this variant in disease. Therefore, it has been classified as a Variant of Uncertain Significance.

Ambry Genetics
Classification: Uncertain significance for Hereditary cancer-predisposing syndrome. Last evaluated: 2024-02-25. Review status: criteria provided, single submitter. Criteria: Ambry Variant Classification Scheme 2023. Collection method: clinical testing. Allele origin: germline.
Comment: The p.A443S variant (also known as c.1327G>T), located in coding exon 9 of the PTCH1 gene, results from a G to T substitution at nucleotide position 1327. The alanine at codon 443 is replaced by serine, an amino acid with similar properties. This amino acid position is conserved. In addition, this alteration is predicted to be deleterious by in silico analysis. Based on the available evidence, the clinical significance of this alteration remains unclear.

NM_000264.5(PTCH1):c.1327G>T (p.Ala443Ser)

Gene: PTCH1 (patched 1; minus strand). Cytogenetic location: 9q22.32.
Variant type: single nucleotide variant.
Coding change: c.1327G>T on transcript NM_000264.5 (MANE Select); coding-DNA position 1327, G replaced by T.
Protein change: p.Ala443Ser; replaces alanine 443 with serine.
Molecular consequence: missense variant. On other transcripts: non-coding transcript variant (1).
Genome position (GRCh38, 1-based): chr9:95,478,075, C>A on the plus strand (G>T on the coding strand, the complement: PTCH1 is on the minus strand). VCF-style: chr9-95478075-C-A. GRCh37 (hg19) VCF-style: chr9-98240357-C-A.
Other names: c.1129G>T, p.Ala377Ser (NM_001083602.3); c.1324G>T, p.Ala442Ser (NM_001083603.3); c.874G>T, p.Ala292Ser (NM_001083604.3, NM_001083605.3, NM_001083606.3 and 1 more transcripts); c.1327G>T, p.Ala443Ser (NM_001354918.2); c.1327G>T (NM_000264.3); short protein forms A292S, A377S, A442S, A443S.
Identifiers: ClinVar variation 1058819 (VCV001058819.10), dbSNP rs2118330345, ClinGen allele CA374118740.